The following is an entry in ClinVar:

ClinVar aggregate classification (germline): Uncertain significance (1 of 4 stars; one submission).

Conditions:
Hereditary cancer-predisposing syndrome. Also called: Neoplastic Syndromes, Hereditary; Tumor predisposition; Hereditary neoplastic syndrome; Hereditary Cancer Syndrome. Identifiers: Orphanet 140162, MedGen C0027672, MeSH D009386, MONDO:0015356.

Submission:

Ambry Genetics
Classification: Uncertain significance for Hereditary cancer-predisposing syndrome. Last evaluated: 2026-07-06. Review status: criteria provided, single submitter. Criteria: Ambry Variant Classification Scheme 2023. Collection method: clinical testing. Allele origin: germline.
Comment: The p.L290V variant (also known as c.868C>G), located in coding exon 9 of the NF2 gene, results from a C to G substitution at nucleotide position 868. The leucine at codon 290 is replaced by valine, an amino acid with highly similar properties. This amino acid position is conserved. In addition, the in silico prediction for this alteration is inconclusive. Based on the available evidence, the clinical significance of this variant remains unclear.

NM_000268.4(NF2):c.868C>G (p.Leu290Val)

Gene: NF2 (NF2, moesin-ezrin-radixin like (MERLIN) tumor suppressor; plus strand). Cytogenetic location: 22q12.2.
Variant type: single nucleotide variant.
Coding change: c.868C>G on transcript NM_000268.4 (MANE Select); coding-DNA position 868, C replaced by G.
Protein change: p.Leu290Val; replaces leucine 290 with valine.
Molecular consequence: missense variant. On other transcripts: non-coding transcript variant (1), intron variant (1).
Genome position (GRCh38, 1-based): chr22:29,665,047, C>G. VCF-style: chr22-29665047-C-G. GRCh37 (hg19) VCF-style: chr22-30061036-C-G.
Other names: c.754C>G, p.Leu252Val (NM_001407053.1, NM_001407056.1); c.745C>G, p.Leu249Val (NM_001407054.1, NM_001407058.1, NM_181829.3); c.742C>G, p.Leu248Val (NM_001407055.1, NM_181828.3); c.733C>G, p.Leu245Val (NM_001407057.1, NM_001407059.1); c.868C>G, p.Leu290Val (NM_001407060.1, NM_001407066.1, NM_016418.5 and 2 more transcripts); c.610C>G, p.Leu204Val (NM_001407062.1); c.619C>G, p.Leu207Val (NM_001407063.1, NM_001407064.1, NM_181830.3 and 1 more transcripts); c.334C>G, p.Leu112Val (NM_001407065.1); and 2 more; short protein forms L112V, L207V, L213V, L249V, L290V, L248V, L204V, L245V.
Identifiers: ClinVar variation 5025693 (VCV005025693.1).